The following is an entry in ClinVar:

NM_020208.4(SLC6A20):c.421A>G (p.Lys141Glu)

Gene: SLC6A20 (solute carrier family 6 member 20; minus strand). Cytogenetic location: 3p21.31.
Variant type: single nucleotide variant.
Coding change: c.421A>G on transcript NM_020208.4 (MANE Select); coding-DNA position 421, A replaced by G.
Protein change: p.Lys141Glu; replaces lysine 141 with glutamic acid.
Molecular consequence: missense variant. On other transcripts: non-coding transcript variant (2).
Genome position (GRCh38, 1-based): chr3:45,775,922, T>C on the plus strand (A>G on the coding strand, the complement: SLC6A20 is on the minus strand). VCF-style: chr3-45775922-T-C. GRCh37 (hg19) VCF-style: chr3-45817414-T-C.
Other names: c.421A>G, p.Lys141Glu (NM_001385683.1, NM_001406066.1, NM_001406069.1 and 1 more transcripts); c.280A>G, p.Lys94Glu (NM_001406067.1); short protein forms K141E, K94E.
Identifiers: ClinVar variation 3049008 (VCV003049008.2), dbSNP rs139429025, ClinGen allele CA2351620.

ClinVar aggregate classification (germline): Benign (0 of 4 stars; one submission).

Conditions:
SLC6A20-related disorder. Also called: SLC6A20-related condition.

Allele frequency attached by ClinVar (database versions not stated): gnomAD exomes 0.00025; ExAC 0.00099; gnomAD 0.00284; 1000 Genomes Project 0.00319; TOPMed 0.00330; 1000 Genomes Project 30x 0.00344; ESP Exome Variant Server 0.00423.
gnomAD v4.1: 825 of 1,614,196 alleles (0.051%); highest among the groups gnomAD compares: African/African-American, 0.96%; 5 homozygotes.

Submission:

PreventionGenetics, part of Exact Sciences
Classification: Benign for SLC6A20-related condition. Last evaluated: 2020-03-10. Review status: no assertion criteria provided. Collection method: clinical testing. Allele origin: germline.
Comment: This variant is classified as benign based on ACMG/AMP sequence variant interpretation guidelines (Richards et al. 2015 PMID: 25741868, with internal and published modifications).